The following is an entry in ClinVar:

ClinVar aggregate classification (germline): Likely benign. Review status: criteria provided, multiple submitters, no conflicts (2 of 4 stars). 3 submissions from 3 submitters: Likely benign (3). Last evaluated 2025-02-06.

Conditions:
Cardiovascular phenotype. Identifiers: MedGen CN230736.
Dilated cardiomyopathy 1G (CMD1G). Identifiers: Orphanet 154, MedGen C1858763, MONDO:0011400, OMIM 604145.
Autosomal recessive limb-girdle muscular dystrophy type 2J (LGMDR10). Also called: Limb-girdle muscular dystrophy, type 2J; MUSCULAR DYSTROPHY, LIMB-GIRDLE, AUTOSOMAL RECESSIVE 10. Identifiers: Orphanet 140922, MedGen C1837342, MONDO:0012127, OMIM 608807.

Allele frequency attached by ClinVar (database versions not stated): gnomAD exomes below 0.00001; TOPMed below 0.00001.
gnomAD v4.1: 3 of 1,613,718 alleles (0.00019%); highest among the groups gnomAD compares: Non-Finnish European, 0.00025%; no homozygotes.

Submissions (3):

Ambry Genetics
Classification: Likely benign for Cardiovascular phenotype. Last evaluated: 2025-02-06. Review status: criteria provided, single submitter. Criteria: Ambry Variant Classification Scheme 2023. Collection method: clinical testing. Allele origin: germline.

Labcorp Genetics (formerly Invitae), Labcorp
Classification: Likely benign for Dilated cardiomyopathy 1G; Autosomal recessive limb-girdle muscular dystrophy type 2J. Last evaluated: 2024-05-20. Review status: criteria provided, single submitter. Criteria: Invitae Variant Classification Sherloc (09022015). Collection method: clinical testing. Allele origin: germline.

GeneDx
Classification: Likely benign. Last evaluated: 2017-01-31. Review status: criteria provided, single submitter. Criteria: GeneDx Variant Classification (06012015). Collection method: clinical testing. Allele origin: germline. Affected: yes.
Comment: This variant is considered likely benign or benign based on one or more of the following criteria: it is a conservative change, it occurs at a poorly conserved position in the protein, it is predicted to be benign by multiple in silico algorithms, and/or has population frequency not consistent with disease.

NM_001267550.2(TTN):c.91695G>A (p.Val30565=)

Genes: TTN (titin; minus strand), TTN-AS1 (TTN antisense RNA 1; plus strand). Cytogenetic location: 2q31.2.
Variant type: single nucleotide variant.
Coding change: c.91695G>A on transcript NM_001267550.2 (MANE Select); coding-DNA position 91695, G replaced by A.
Protein change: p.Val30565=; no amino-acid change (valine 30565 retained).
Molecular consequence: synonymous variant.
Genome position (GRCh38, 1-based): chr2:178,550,143, C>T on the plus strand (G>A on the coding strand, the complement: TTN is on the minus strand). VCF-style: chr2-178550143-C-T. GRCh37 (hg19) VCF-style: chr2-179414870-C-T.
Other names: c.86772G>A, p.Val28924= (NM_001256850.1); c.64500G>A, p.Val21500= (NM_003319.4); c.83991G>A, p.Val27997= (NM_133378.4); c.64875G>A, p.Val21625= (NM_133432.3); c.65076G>A, p.Val21692= (NM_133437.4).
Identifiers: ClinVar variation 507077 (VCV000507077.11), dbSNP rs1553536237, ClinGen allele CA430244819.